The following is an entry in ClinVar:

ClinVar aggregate classification (germline): Likely benign (1 of 4 stars; one submission).

gnomAD v4.1: 61 of 1,613,676 alleles (0.0038%); highest among the groups gnomAD compares: South Asian, 0.044%; no homozygotes.

Submission:

Mayo Clinic Laboratories, Mayo Clinic
Classification: Likely benign. Last evaluated: 2025-05-12. Review status: criteria provided, single submitter. Criteria: ACMG Guidelines, 2015. Collection method: clinical testing. Allele origin: germline. Observed: 2 variant alleles.
Comment: BP4, BP7

NM_007098.4(CLTCL1):c.4632G>A (p.Ser1544=)

Gene: CLTCL1 (clathrin heavy chain like 1; minus strand). Cytogenetic location: 22q11.21.
Variant type: single nucleotide variant.
Coding change: c.4632G>A on transcript NM_007098.4 (MANE Select); coding-DNA position 4632, G replaced by A.
Protein change: p.Ser1544=; no amino-acid change (serine 1544 retained).
Molecular consequence: synonymous variant.
Genome position (GRCh38, 1-based): chr22:19,183,585, C>T on the plus strand (G>A on the coding strand, the complement: CLTCL1 is on the minus strand). VCF-style: chr22-19183585-C-T. GRCh37 (hg19) VCF-style: chr22-19171098-C-T.
Other names: p.Ser1544=; c.4461G>A, p.Ser1487= (NM_001835.4).
Identifiers: ClinVar variation 4684448 (VCV004684448.1).